The following is an entry in ClinVar:

NM_001145308.5(LRTOMT):c.692A>G (p.His231Arg)

Genes: ANAPC15 (anaphase promoting complex subunit 15; minus strand), LRTOMT (leucine rich transmembrane and O-methyltransferase domain containing; plus strand), TOMT (transmembrane O-methyltransferase; plus strand). Cytogenetic location: 11q13.4.
Variant type: single nucleotide variant.
Coding change: c.692A>G on transcript NM_001145308.5; coding-DNA position 692, A replaced by G.
Protein change: p.His231Arg; replaces histidine 231 with arginine.
Molecular consequence: missense variant. On other transcripts: intron variant (7), 3 prime UTR variant (3), non-coding transcript variant (1).
Genome position (GRCh38, 1-based): chr11:72,108,741, A>G. VCF-style: chr11-72108741-A-G. GRCh37 (hg19) VCF-style: chr11-71819787-A-G.
Other names: c.64-1136T>C (NM_001393459.1); c.319-1136T>C (NM_001393430.1, NM_001393429.1, NM_001393428.1 and 3 more transcripts); c.593A>G, p.His198Arg (NM_001393500.2); c.692A>G, p.His231Arg (NM_001145309.4); c.572A>G, p.His191Arg (NM_001145310.4); c.*78T>C (NM_001393443.1, NM_001393444.1, NM_001393445.1); short protein forms H231R, H198R, H191R.
Identifiers: ClinVar variation 1923104 (VCV001923104.4), dbSNP rs935371141, ClinGen allele CA224375612.

ClinVar aggregate classification (germline): Uncertain significance (1 of 4 stars; one submission).

Submission:

Labcorp Genetics (formerly Invitae), Labcorp
Classification: Uncertain significance. Last evaluated: 2025-02-24. Review status: criteria provided, single submitter. Criteria: Invitae Variant Classification Sherloc (09022015). Collection method: clinical testing. Allele origin: germline.
Comment: This sequence change replaces histidine, which is basic and polar, with arginine, which is basic and polar, at codon 231 of the LRTOMT protein (p.His231Arg). This variant is not present in population databases (gnomAD no frequency). This variant has not been reported in the literature in individuals affected with LRTOMT-related conditions. ClinVar contains an entry for this variant (Variation ID: 1923104). Invitae Evidence Modeling of protein sequence and biophysical properties (such as structural, functional, and spatial information, amino acid conservation, physicochemical variation, residue mobility, and thermodynamic stability) indicates that this missense variant is not expected to disrupt LRTOMT protein function with a negative predictive value of 80%. In summary, the available evidence is currently insufficient to determine the role of this variant in disease. Therefore, it has been classified as a Variant of Uncertain Significance.